The following is an entry in ClinVar:

NM_013275.6(ANKRD11):c.2876A>G (p.Lys959Arg)

Gene: ANKRD11 (ankyrin repeat domain 11; minus strand). Cytogenetic location: 16q24.3.
Variant type: single nucleotide variant.
Coding change: c.2876A>G on transcript NM_013275.6 (MANE Select); coding-DNA position 2876, A replaced by G.
Protein change: p.Lys959Arg; replaces lysine 959 with arginine.
Molecular consequence: missense variant.
Genome position (GRCh38, 1-based): chr16:89,283,666, T>C on the plus strand (A>G on the coding strand, the complement: ANKRD11 is on the minus strand). VCF-style: chr16-89283666-T-C. GRCh37 (hg19) VCF-style: chr16-89350074-T-C.
Other names: c.2876A>G, p.Lys959Arg (NM_001256182.2, NM_001256183.2); short protein forms K959R.
Identifiers: ClinVar variation 2073586 (VCV002073586.4), dbSNP rs755666999, ClinGen allele CA8242491.

ClinVar aggregate classification (germline): Uncertain significance (1 of 4 stars; one submission).

Conditions:
KBG syndrome (KBGS). Also called: ANKRD11-Related KBG Syndrome. Identifiers: Orphanet 2332, MedGen C0220687, MONDO:0007846, OMIM 148050.

Allele frequency attached by ClinVar (database versions not stated): TOPMed 0.00001; ExAC 0.00002; gnomAD 0.00002.
gnomAD v4.1: 14 of 1,612,124 alleles (0.00087%); highest among the groups gnomAD compares: Non-Finnish European, 0.0011%; no homozygotes.

Submission:

Labcorp Genetics (formerly Invitae), Labcorp
Classification: Uncertain significance for KBG syndrome. Last evaluated: 2024-07-29. Review status: criteria provided, single submitter. Criteria: Invitae Variant Classification Sherloc (09022015). Collection method: clinical testing. Allele origin: germline.
Comment: This sequence change replaces lysine, which is basic and polar, with arginine, which is basic and polar, at codon 959 of the ANKRD11 protein (p.Lys959Arg). The frequency data for this variant in the population databases is considered unreliable, as metrics indicate poor data quality at this position in the gnomAD database. This variant has not been reported in the literature in individuals affected with ANKRD11-related conditions. ClinVar contains an entry for this variant (Variation ID: 2073586). Advanced modeling of protein sequence and biophysical properties (such as structural, functional, and spatial information, amino acid conservation, physicochemical variation, residue mobility, and thermodynamic stability) performed at Invitae indicates that this missense variant is not expected to disrupt ANKRD11 protein function with a negative predictive value of 95%. In summary, the available evidence is currently insufficient to determine the role of this variant in disease. Therefore, it has been classified as a Variant of Uncertain Significance.